The following is an entry in ClinVar:

ClinVar aggregate classification (germline): Uncertain significance (1 of 4 stars; one submission).

Conditions:
Charcot-Marie-Tooth disease type 2. Also called: Charcot-Marie-Tooth type 2. Identifiers: Orphanet 64746, MedGen C0270914, MONDO:0018993.

gnomAD v4.1: 2 of 1,614,172 alleles (0.00012%); highest among the groups gnomAD compares: African/African-American, 0.0013%; no homozygotes.

Submission:

Labcorp Genetics (formerly Invitae), Labcorp
Classification: Uncertain significance for Charcot-Marie-Tooth disease type 2. Last evaluated: 2023-11-14. Review status: criteria provided, single submitter. Criteria: Invitae Variant Classification Sherloc (09022015). Collection method: clinical testing. Allele origin: germline.
Comment: This sequence change falls in intron 28 of the KIF1B gene. It does not directly change the encoded amino acid sequence of the KIF1B protein. It affects a nucleotide within the consensus splice site. This variant is not present in population databases (gnomAD no frequency). This variant has not been reported in the literature in individuals affected with KIF1B-related conditions. Variants that disrupt the consensus splice site are a relatively common cause of aberrant splicing (PMID: 17576681, 9536098). Algorithms developed to predict the effect of sequence changes on RNA splicing suggest that this variant may disrupt the consensus splice site. In summary, the available evidence is currently insufficient to determine the role of this variant in disease. Therefore, it has been classified as a Variant of Uncertain Significance.

Literature cited by the submitters: PubMed 17576681; PubMed 9536098.

NM_001365951.3(KIF1B):c.3259+3A>G

Gene: KIF1B (kinesin family member 1B; plus strand). Cytogenetic location: 1p36.22.
Variant type: single nucleotide variant.
Coding change: c.3259+3A>G on transcript NM_001365951.3 (MANE Select); 3 bases into the intron after coding-DNA position 3259, A replaced by G.
Molecular consequence: intron variant.
Genome position (GRCh38, 1-based): chr1:10,337,206, A>G. VCF-style: chr1-10337206-A-G. GRCh37 (hg19) VCF-style: chr1-10397264-A-G.
Other names: c.3121+3A>G (NM_015074.3); c.3259+3A>G (NM_001365952.1).
Identifiers: ClinVar variation 2733685 (VCV002733685.3), dbSNP rs1388178227, ClinGen allele CA521150206.
Genomic context (GRCh38, chr1:10,337,206, plus strand): 5'-GGTCAGAGTTCTGAGGTCATCACTCCTCCAGAAGAAATCAGTCGAATTAATGACTTGGGT[A>G]TGTAGACATAGTTTACTGTGCTTGGGGACATTTTCGACAAAGGGAAAATATTGACCATTA-3'